The following is an entry in ClinVar:

NM_001039591.3(USP9X):c.80C>A (p.Pro27His)

Gene: USP9X (ubiquitin specific peptidase 9 X-linked; plus strand). Cytogenetic location: Xp11.4.
Variant type: single nucleotide variant.
Coding change: c.80C>A on transcript NM_001039591.3 (MANE Select); coding-DNA position 80, C replaced by A.
Protein change: p.Pro27His; replaces proline 27 with histidine.
Molecular consequence: missense variant.
Genome position (GRCh38, 1-based): chrX:41,123,708, C>A. VCF-style: chrX-41123708-C-A. GRCh37 (hg19) VCF-style: chrX-40982961-C-A.
Other names: c.80C>A (NM_001039590.2); c.80C>A, p.Pro27His (NM_001039590.3, NM_001410748.1, NM_001410749.1); short protein forms P27H.
Identifiers: ClinVar variation 2971975 (VCV002971975.4), dbSNP rs200078810, ClinGen allele CA412758902.

ClinVar aggregate classification (germline): Uncertain significance. Review status: criteria provided, multiple submitters, no conflicts (2 of 4 stars). 2 submissions from 2 submitters: Uncertain significance (2). Last evaluated 2025-03-12.

Conditions:
Inborn genetic diseases. Identifiers: MedGen C0950123, MeSH D030342.

gnomAD v4.1: 6 of 1,211,137 alleles (0.0005%); highest among the groups gnomAD compares: Admixed American, 0.0043%; no homozygotes.

Submissions (2):

Labcorp Genetics (formerly Invitae), Labcorp
Classification: Uncertain significance. Last evaluated: 2025-03-12. Review status: criteria provided, single submitter. Criteria: Invitae Variant Classification Sherloc (09022015). Collection method: clinical testing. Allele origin: germline.
Comment: This sequence change replaces proline, which is neutral and non-polar, with histidine, which is basic and polar, at codon 27 of the USP9X protein (p.Pro27His). This variant is present in population databases (no rsID available, gnomAD 0.008%), including at least one homozygous and/or hemizygous individual. This variant has not been reported in the literature in individuals affected with USP9X-related conditions. ClinVar contains an entry for this variant (Variation ID: 2971975). An algorithm developed to predict the effect of missense changes on protein structure and function (PolyPhen-2) suggests that this variant is likely to be tolerated. In summary, the available evidence is currently insufficient to determine the role of this variant in disease. Therefore, it has been classified as a Variant of Uncertain Significance.

Ambry Genetics
Classification: Uncertain significance for Inborn genetic diseases. Last evaluated: 2024-11-26. Review status: criteria provided, single submitter. Criteria: Ambry Variant Classification Scheme 2023. Collection method: clinical testing. Allele origin: germline.